The following is an entry in ClinVar:

NM_014014.5(SNRNP200):c.4561G>A (p.Val1521Ile)

Gene: SNRNP200 (small nuclear ribonucleoprotein U5 subunit 200; minus strand). Cytogenetic location: 2q11.2.
Variant type: single nucleotide variant.
Coding change: c.4561G>A on transcript NM_014014.5 (MANE Select); coding-DNA position 4561, G replaced by A.
Protein change: p.Val1521Ile; replaces valine 1521 with isoleucine.
Molecular consequence: missense variant.
Genome position (GRCh38, 1-based): chr2:96,283,836, C>T on the plus strand (G>A on the coding strand, the complement: SNRNP200 is on the minus strand). VCF-style: chr2-96283836-C-T. GRCh37 (hg19) VCF-style: chr2-96949574-C-T.
Other names: c.4561G>A (NM_014014.4); short protein forms V1521I.
Identifiers: ClinVar variation 1042623 (VCV001042623.9), dbSNP rs191776366, ClinGen allele CA1778199.

ClinVar aggregate classification (germline): Conflicting classifications of pathogenicity. Review status: criteria provided, conflicting classifications (1 of 4 stars). 3 submissions from 3 submitters: Uncertain significance (2); Likely benign (1). Last evaluated 2025-09-05.

Conditions:
Inborn genetic diseases. Identifiers: MedGen C0950123, MeSH D030342.
SNRNP200-related disorder. Also called: SNRNP200-related condition.

Allele frequency attached by ClinVar (database versions not stated): ExAC 0.00006; gnomAD exomes 0.00007; TOPMed 0.00011; gnomAD 0.00015 and 0.00016; 1000 Genomes Project 30x 0.00016; 1000 Genomes Project 0.00020.
gnomAD v4.1: 65 of 1,606,984 alleles (0.004%); highest among the groups gnomAD compares: Admixed American, 0.065%; no homozygotes.

Submissions (3):

PreventionGenetics, part of Exact Sciences
Classification: Uncertain significance for SNRNP200-related condition. Last evaluated: 2025-09-05. Review status: criteria provided, single submitter. Criteria: ACMG Guidelines, 2015. Collection method: clinical testing. Allele origin: germline.
Comment: The SNRNP200 c.4561G>A variant is predicted to result in the amino acid substitution p.Val1521Ile. To our knowledge, this variant has not been reported in the literature. This variant is reported in 0.047% of alleles in individuals of Latino descent in gnomAD. At this time, the clinical significance of this variant is uncertain due to the absence of conclusive functional and genetic evidence.

Labcorp Genetics (formerly Invitae), Labcorp
Classification: Likely benign. Last evaluated: 2025-05-08. Review status: criteria provided, single submitter. Criteria: Invitae Variant Classification Sherloc (09022015). Collection method: clinical testing. Allele origin: germline.

Ambry Genetics
Classification: Uncertain significance for Inborn genetic diseases. Last evaluated: 2024-03-20. Review status: criteria provided, single submitter. Criteria: Ambry Variant Classification Scheme 2023. Collection method: clinical testing. Allele origin: germline.